The following is an entry in ClinVar:

ClinVar aggregate classification (germline): Conflicting classifications of pathogenicity. Review status: criteria provided, conflicting classifications (1 of 4 stars). 5 submissions from 5 submitters: Uncertain significance (4); Likely benign (1). Last evaluated 2026-06-26.

Conditions:
Inborn genetic diseases. Identifiers: MedGen C0950123, MeSH D030342.
Finnish type amyloidosis. Also called: Lattice corneal dystrophy associated with familial systemic amyloidosis; Amyloidosis, familial, Finnish type; Meretoja type amyloidosis; Amyloidosis 5; AMYLOID CRANIAL NEUROPATHY WITH LATTICE CORNEAL DYSTROPHY; AMYLOIDOSIS DUE TO MUTANT GELSOLIN. Identifiers: Orphanet 85448, MedGen C1622345, MONDO:0007097, OMIM 105120.
GSN-related disorder. Also called: GSN-related condition.

Allele frequency attached by ClinVar (database versions not stated): ExAC 0.00002; gnomAD exomes 0.00003 and 0.00005; TOPMed 0.00004; gnomAD 0.00005 and 0.00006.
gnomAD v4.1: 76 of 1,614,040 alleles (0.0047%); highest among the groups gnomAD compares: Non-Finnish European, 0.0064%; no homozygotes.

Submissions (5):

PreventionGenetics, part of Exact Sciences
Classification: Uncertain significance for GSN-related condition. Last evaluated: 2026-06-26. Review status: criteria provided, single submitter. Criteria: ACMG Guidelines, 2015. Collection method: clinical testing. Allele origin: germline.
Comment: The GSN c.580G>A variant is predicted to result in the amino acid substitution p.Gly194Arg. This variant has been reported in the heterozygous state in an individual with renal amyloidosis (Sethi et al. 2013. PubMed ID: 22938848; Sethi et al. 2017. PubMed ID: 28139293). In vitro functional studies suggest this variant promotes aggregation compared to control (reported as G167R, Ahmad et al. 2021. PubMed ID: 33598831). This variant is reported in 0.0085% of alleles in individuals of European (non-Finnish) descent in gnomAD. At this time, the clinical significance of this variant is uncertain due to the absence of conclusive functional and genetic evidence.

Mayo Clinic Laboratories, Mayo Clinic
Classification: Uncertain significance. Last evaluated: 2025-09-09. Review status: criteria provided, single submitter. Criteria: ACMG Guidelines, 2015. Collection method: clinical testing. Allele origin: germline. Observed: 1 variant allele.
Comment: BS2, PP3_moderate, PM2_supporting

Labcorp Genetics (formerly Invitae), Labcorp
Classification: Uncertain significance. Last evaluated: 2025-03-22. Review status: criteria provided, single submitter. Criteria: Invitae Variant Classification Sherloc (09022015). Collection method: clinical testing. Allele origin: germline.
Comment: This sequence change replaces glycine, which is neutral and non-polar, with arginine, which is basic and polar, at codon 194 of the GSN protein (p.Gly194Arg). This variant is present in population databases (rs750132751, gnomAD 0.007%). This missense change has been observed in individual(s) with clinical features of GSN-related conditions (PMID: 22938848). This variant is also known as Gly167Arg. ClinVar contains an entry for this variant (Variation ID: 913531). Invitae Evidence Modeling of protein sequence and biophysical properties (such as structural, functional, and spatial information, amino acid conservation, physicochemical variation, residue mobility, and thermodynamic stability) indicates that this missense variant is expected to disrupt GSN protein function with a positive predictive value of 80%. Experimental studies have shown that this missense change affects GSN function (PMID: 29069428, 30625383, 31243148, 33598831). In summary, the available evidence is currently insufficient to determine the role of this variant in disease. Therefore, it has been classified as a Variant of Uncertain Significance.

Ambry Genetics
Classification: Uncertain significance for Inborn genetic diseases. Last evaluated: 2023-03-22. Review status: criteria provided, single submitter. Criteria: Ambry Variant Classification Scheme 2023. Collection method: clinical testing. Allele origin: germline.

Illumina Laboratory Services, Illumina
Classification: Likely benign for Finnish type amyloidosis. Last evaluated: 2017-04-27. Review status: criteria provided, single submitter. Criteria: ICSL Variant Classification Criteria 13 December 2019. Collection method: clinical testing. Allele origin: germline.
Comment: This variant was observed as part of a predisposition screen in an ostensibly healthy population. A literature search was performed for the gene, cDNA change, and amino acid change (where applicable). No publications were found based on this search. Allele frequency data from public databases allowed determination this variant is unlikely to cause disease. Therefore, this variant is classified as likely benign.

Literature cited by the submitters: PubMed 22938848 (cited by 3 submitters); PubMed 24601799 (cited by Mayo Clinic Laboratories, Mayo Clinic); PubMed 25342098 (cited by Mayo Clinic Laboratories, Mayo Clinic); PubMed 26339870 (cited by Mayo Clinic Laboratories, Mayo Clinic); PubMed 26915616 (cited by Mayo Clinic Laboratories, Mayo Clinic); PubMed 28139293 (cited by Mayo Clinic Laboratories, Mayo Clinic); PubMed 29069428 (cited by 3 submitters); PubMed 29167514 (cited by Mayo Clinic Laboratories, Mayo Clinic); PubMed 30093168 (cited by Mayo Clinic Laboratories, Mayo Clinic); PubMed 30392540 (cited by Mayo Clinic Laboratories, Mayo Clinic); PubMed 33192475 (cited by Mayo Clinic Laboratories, Mayo Clinic); PubMed 33394347 (cited by Mayo Clinic Laboratories, Mayo Clinic); PubMed 33499149 (cited by Mayo Clinic Laboratories, Mayo Clinic); PubMed 34206500 (cited by Mayo Clinic Laboratories, Mayo Clinic); PubMed 37140928 (cited by Mayo Clinic Laboratories, Mayo Clinic); PubMed 39390625 (cited by Mayo Clinic Laboratories, Mayo Clinic); PubMed 30625383 (cited by Labcorp Genetics (formerly Invitae), Labcorp and Ambry Genetics); PubMed 31243148 (cited by Labcorp Genetics (formerly Invitae), Labcorp and Ambry Genetics); PubMed 33598831 (cited by Labcorp Genetics (formerly Invitae), Labcorp and Ambry Genetics).

NM_198252.3(GSN):c.427G>A (p.Gly143Arg)

Gene: GSN (gelsolin; plus strand). Cytogenetic location: 9q33.2.
Variant type: single nucleotide variant.
Coding change: c.427G>A on transcript NM_198252.3 (MANE Select); coding-DNA position 427, G replaced by A.
Protein change: p.Gly143Arg; replaces glycine 143 with arginine.
Molecular consequence: missense variant. On other transcripts: 5 prime UTR variant (1).
Genome position (GRCh38, 1-based): chr9:121,310,759, G>A. VCF-style: chr9-121310759-G-A. GRCh37 (hg19) VCF-style: chr9-124073037-G-A.
Other names: p.Gly194Arg; c.580G>A, p.Gly194Arg (NM_000177.5); c.427G>A, p.Gly143Arg (NM_001127662.2, NM_001127664.2, NM_001127665.2 and 10 more transcripts); c.535G>A, p.Gly179Arg (NM_001127663.2); c.460G>A, p.Gly154Arg (NM_001127666.2, NM_001127667.2, NM_001353063.2 and 13 more transcripts); c.478G>A, p.Gly160Arg (NM_001258029.2); c.451G>A, p.Gly151Arg (NM_001258030.2); c.499G>A, p.Gly167Arg (NM_001353076.2); and 1 more; short protein forms G154R, G143R, G167R, G194R, G160R, G179R, G151R.
Identifiers: ClinVar variation 913531 (VCV000913531.13), dbSNP rs750132751, ClinGen allele CA5220887.